The following is an entry in ClinVar:

ClinVar aggregate classification (germline): Uncertain significance. Review status: criteria provided, multiple submitters, no conflicts (2 of 4 stars). 2 submissions from 2 submitters: Uncertain significance (2). Last evaluated 2024-04-30.

Conditions:
Frontotemporal dementia and/or amyotrophic lateral sclerosis 4. Also called: FTDALS4. Identifiers: Orphanet 275872, MedGen C4225325, MONDO:0014641, OMIM 616439.
Motor neuron disease. Also called: Degenerative motor system disease; Motor neuron disorder. Identifiers: Orphanet 98503, MedGen C0085084, MONDO:0020128.

Allele frequency attached by ClinVar (database versions not stated): ExAC 0.00001; gnomAD 0.00001; TOPMed 0.00003; gnomAD exomes 0.00006 and 0.00008.
gnomAD v4.1: 119 of 1,613,990 alleles (0.0074%); highest among the groups gnomAD compares: Non-Finnish European, 0.0092%; no homozygotes.

Submissions (2):

Labcorp Genetics (formerly Invitae), Labcorp
Classification: Uncertain significance for Frontotemporal dementia and/or amyotrophic lateral sclerosis 4. Last evaluated: 2024-04-30. Review status: criteria provided, single submitter. Criteria: Invitae Variant Classification Sherloc (09022015). Collection method: clinical testing. Allele origin: germline.
Comment: This sequence change replaces isoleucine, which is neutral and non-polar, with valine, which is neutral and non-polar, at codon 379 of the TBK1 protein (p.Ile379Val). This variant is present in population databases (rs748864346, gnomAD 0.01%). This variant has not been reported in the literature in individuals affected with TBK1-related conditions. ClinVar contains an entry for this variant (Variation ID: 266070). Advanced modeling of protein sequence and biophysical properties (such as structural, functional, and spatial information, amino acid conservation, physicochemical variation, residue mobility, and thermodynamic stability) performed at Invitae indicates that this missense variant is not expected to disrupt TBK1 protein function with a negative predictive value of 95%. In summary, the available evidence is currently insufficient to determine the role of this variant in disease. Therefore, it has been classified as a Variant of Uncertain Significance.

Centre for Genomic and Experimental Medicine, University of Edinburgh
Classification: Uncertain significance for Motor neuron disease. Last evaluated: 2016-08-31. Review status: criteria provided, single submitter. Criteria: Submitter's publication. Collection method: case-control. Allele origin: unknown. Affected: no. Observed: 1 heterozygote.

Literature cited by the submitters: PubMed 28089114 (cited by Centre for Genomic and Experimental Medicine, University of Edinburgh).

NM_013254.4(TBK1):c.1135A>G (p.Ile379Val)

Gene: TBK1 (TANK binding kinase 1; plus strand). Cytogenetic location: 12q14.2.
Variant type: single nucleotide variant.
Coding change: c.1135A>G on transcript NM_013254.4 (MANE Select); coding-DNA position 1135, A replaced by G.
Protein change: p.Ile379Val; replaces isoleucine 379 with valine.
Molecular consequence: missense variant.
Genome position (GRCh38, 1-based): chr12:64,484,445, A>G. VCF-style: chr12-64484445-A-G. GRCh37 (hg19) VCF-style: chr12-64878225-A-G.
Other names: c.1135A>G, p.Ile379Val (LRG_1306t1); short protein forms I379V.
Identifiers: ClinVar variation 266070 (VCV000266070.3), dbSNP rs748864346, ClinGen allele CA6668975.